The following is an entry in ClinVar:

ClinVar aggregate classification (germline): Conflicting classifications of pathogenicity. Review status: criteria provided, conflicting classifications (1 of 4 stars). 2 submissions from 2 submitters: Likely pathogenic (1); Uncertain significance (1). Last evaluated 2022-03-04.

Conditions:
SEMA4A-related disorder. Also called: SEMA4A-related condition.

Allele frequency attached by ClinVar (database versions not stated): gnomAD exomes below 0.00001; TOPMed below 0.00001.
gnomAD v4.1: 1 of 1,580,206 alleles (0.000063%); highest among the groups gnomAD compares: Admixed American, 0.0019%; no homozygotes.

Submissions (2):

Labcorp Genetics (formerly Invitae), Labcorp
Classification: Uncertain significance. Last evaluated: 2022-03-04. Review status: criteria provided, single submitter. Criteria: Invitae Variant Classification Sherloc (09022015). Collection method: clinical testing. Allele origin: germline.
Comment: This sequence change affects a donor splice site in intron 2 of the SEMA4A gene. It is expected to disrupt RNA splicing. Variants that disrupt the donor or acceptor splice site typically lead to a loss of protein function (PMID: 16199547), however the current clinical and genetic evidence is not sufficient to establish whether loss-of-function variants in SEMA4A cause disease. This variant is not present in population databases (gnomAD no frequency). This variant has not been reported in the literature in individuals affected with SEMA4A-related conditions. Algorithms developed to predict the effect of sequence changes on RNA splicing suggest that this variant may disrupt the consensus splice site. In summary, the available evidence is currently insufficient to determine the role of this variant in disease. Therefore, it has been classified as a Variant of Uncertain Significance.

Blueprint Genetics
Classification: Likely pathogenic for SEMA4A-related disorders. Last evaluated: 2019-03-06. Review status: criteria provided, single submitter. Criteria: ACMG Guidelines, 2015. Collection method: clinical testing. Allele origin: germline. Affected: yes. Observed: 1 variant allele.

Literature cited by the submitters: PubMed 16199547 (cited by Labcorp Genetics (formerly Invitae), Labcorp).

NM_022367.4(SEMA4A):c.139+2T>C

Gene: SEMA4A (semaphorin 4A; plus strand). Cytogenetic location: 1q22.
Variant type: single nucleotide variant.
Coding change: c.139+2T>C on transcript NM_022367.4 (MANE Select); the canonical splice donor site of the intron after coding-DNA position 139, T replaced by C.
Molecular consequence: splice donor variant. On other transcripts: intron variant (3).
Genome position (GRCh38, 1-based): chr1:156,154,719, T>C. VCF-style: chr1-156154719-T-C. GRCh37 (hg19) VCF-style: chr1-156124510-T-C.
Other names: c.-386+2T>C (NM_001370571.1); c.139+2T>C (NM_001193300.2, NM_001193301.2, NM_001370567.1); c.-385-1695T>C (NM_001370569.1); c.-158-1695T>C (NM_001370568.1); c.-159+955T>C (NM_001193302.2).
Identifiers: ClinVar variation 1950848 (VCV001950848.6), dbSNP rs1391705146, ClinGen allele CA342834225.
Genomic context (GRCh38, chr1:156,154,719, plus strand): 5'-GACGACGACCGCGGGGGGAGGCGGGCAGGGGCCCATGCCCAGGGTCAGATACTATGCAGG[T>C]AAGTGTCCGACAGCAGGAAGTGTGGGGATAGCAATAGAGAGCTGGAGGTGGGTGGAGGAA-3'